The following is an entry in ClinVar:

NM_001032283.3(TMPO):c.249C>T (p.Ala83=)

Genes: TMPO (thymopoietin; plus strand), TMPO-AS1 (TMPO antisense RNA 1; minus strand), LOC130008520 (ATAC-STARR-seq lymphoblastoid silent region 4752; plus strand). Cytogenetic location: 12q23.1.
Variant type: single nucleotide variant.
Coding change: c.249C>T on transcript NM_001032283.3 (MANE Select); coding-DNA position 249, C replaced by T.
Protein change: p.Ala83=; no amino-acid change (alanine 83 retained).
Molecular consequence: synonymous variant. On other transcripts: non-coding transcript variant (1).
Genome position (GRCh38, 1-based): chr12:98,516,116, C>T. VCF-style: chr12-98516116-C-T. GRCh37 (hg19) VCF-style: chr12-98909894-C-T.
Other names: c.249C>T, p.Ala83= (NM_001032284.3, NM_001307975.2, NM_003276.2).
Identifiers: ClinVar variation 389158 (VCV000389158.11), dbSNP rs747943302, ClinGen allele CA6732141.

ClinVar aggregate classification (germline): Likely benign. Review status: criteria provided, multiple submitters, no conflicts (2 of 4 stars). 3 submissions from 3 submitters: Likely benign (3). Last evaluated 2026-05-30.

Conditions:
Loeys-Dietz syndrome 2 (LDS2). Also called: TGFBR2-Related Loeys-Dietz Syndrome; AORTIC ANEURYSM, FAMILIAL THORACIC 3; MARFAN SYNDROME, TYPE II; Marfan syndrome, type 2 (formerly); Marfan Syndrome type 2; Marfan like connective tissue disorder. Identifiers: Orphanet 284973, Orphanet 558, MedGen C2674574, MONDO:0012427, OMIM 610168.

Allele frequency attached by ClinVar (database versions not stated): gnomAD exomes 0.00001; gnomAD 0.00005 and 0.00006; TOPMed 0.00005; ExAC 0.00005.
gnomAD v4.1: 14 of 1,525,818 alleles (0.00092%); highest among the groups gnomAD compares: African/African-American, 0.015%; no homozygotes.

Submissions (3):

Women's Health and Genetics/Laboratory Corporation of America, LabCorp
Classification: Likely benign. Last evaluated: 2026-05-30. Review status: criteria provided, single submitter. Criteria: LabCorp Variant Classification Summary - May 2015. Collection method: clinical testing. Allele origin: germline.

Labcorp Genetics (formerly Invitae), Labcorp
Classification: Likely benign for Loeys-Dietz syndrome 2. Last evaluated: 2025-10-15. Review status: criteria provided, single submitter. Criteria: Invitae Variant Classification Sherloc (09022015). Collection method: clinical testing. Allele origin: germline.

GeneDx
Classification: Likely benign. Last evaluated: 2016-09-07. Review status: criteria provided, single submitter. Criteria: GeneDx Variant Classification (06012015). Collection method: clinical testing. Allele origin: germline. Affected: yes.
Comment: This variant is considered likely benign or benign based on one or more of the following criteria: it is a conservative change, it occurs at a poorly conserved position in the protein, it is predicted to be benign by multiple in silico algorithms, and/or has population frequency not consistent with disease.